The following is an entry in ClinVar:

ClinVar aggregate classification (germline): Uncertain significance (1 of 4 stars; one submission).

gnomAD v4.1: 1 of 1,614,164 alleles (0.000062%); highest among the groups gnomAD compares: Admixed American, 0.0017%; no homozygotes.

Submission:

GeneDx
Classification: Uncertain significance. Last evaluated: 2026-02-19. Review status: criteria provided, single submitter. Criteria: GeneDx Variant Classification Process June 2021. Collection method: clinical testing. Allele origin: germline.
Comment: Not observed at significant frequency in large population cohorts (gnomAD); In silico analysis supports that this missense variant has a deleterious effect on protein structure/function; Has not been previously published as pathogenic or benign to our knowledge; This variant is associated with the following publications: (PMID: 16429158)

NM_003680.4(YARS1):c.233C>T (p.Ala78Val)

Gene: YARS1 (tyrosyl-tRNA synthetase 1; minus strand). Cytogenetic location: 1p35.1.
Variant type: single nucleotide variant.
Coding change: c.233C>T on transcript NM_003680.4 (MANE Select); coding-DNA position 233, C replaced by T.
Protein change: p.Ala78Val; replaces alanine 78 with valine.
Molecular consequence: missense variant.
Genome position (GRCh38, 1-based): chr1:32,810,738, G>A on the plus strand (C>T on the coding strand, the complement: YARS1 is on the minus strand). VCF-style: chr1-32810738-G-A. GRCh37 (hg19) VCF-style: chr1-33276339-G-A.
Other names: short protein forms A78V.
Identifiers: ClinVar variation 4976520 (VCV004976520.1).
Genomic context (GRCh38, chr1:32,810,738, plus strand): 5'-TCATAGTAACTGACTCGGAGTTCTAGAAGTTCCCATGGGGCTTTCATGTTATCCAGGTAT[G>A]CGTGGAGGTCCGCAAACAGAATTGTTACCTGGACAAGAGATAAGGGGCCACCAAAATGTG-3'
Protein context (NP_003671.1, residues 68-88): EVTILFADLH[Ala78Val]YLDNMKAPWE